The following is an entry in ClinVar:

NM_001244008.2(KIF1A):c.4171G>A (p.Val1391Ile)

Gene: KIF1A (kinesin family member 1A; minus strand). Cytogenetic location: 2q37.3.
Variant type: single nucleotide variant.
Coding change: c.4171G>A on transcript NM_001244008.2 (MANE Select); coding-DNA position 4171, G replaced by A.
Protein change: p.Val1391Ile; replaces valine 1391 with isoleucine.
Molecular consequence: missense variant.
Genome position (GRCh38, 1-based): chr2:240,725,356, C>T on the plus strand (G>A on the coding strand, the complement: KIF1A is on the minus strand). VCF-style: chr2-240725356-C-T. GRCh37 (hg19) VCF-style: chr2-241664773-C-T.
Other names: c.3895G>A, p.Val1299Ile (NM_001320705.2, NM_001379649.1); c.3922G>A, p.Val1308Ile (NM_001330289.2); c.3970G>A, p.Val1324Ile (NM_001330290.2, NM_001379648.1); c.4246G>A, p.Val1416Ile (NM_001379631.1); c.4147G>A, p.Val1383Ile (NM_001379632.1); c.4144G>A, p.Val1382Ile (NM_001379633.1, NM_001379645.1); c.3997G>A, p.Val1333Ile (NM_001379634.1); c.3994G>A, p.Val1332Ile (NM_001379635.1, NM_001379646.1); and 7 more; short protein forms V1290I, V1391I, V1324I, V1299I, V1308I, V1289I, V1298I, V1307I.
Identifiers: ClinVar variation 464244 (VCV000464244.11), dbSNP rs373900978, ClinGen allele CA2207471.
Genomic context (GRCh38, chr2:240,725,356, plus strand): 5'-TGCCAAAGAGGTTGCGGATGGAGCGCGAGGCTGGCAGCTTGGCATCACGGGAATAGAAGA[C>T]CATGCAGAAGTCCTTGGTGACAACAGCCGGCTGGGTGCAGTTCTCCATCTGAGATAGGCG-3'
Protein context (NP_001230937.1, residues 1381-1401): PAVVTKDFCM[Val1391Ile]FYSRDAKLPA

ClinVar aggregate classification (germline): Conflicting classifications of pathogenicity. Review status: criteria provided, conflicting classifications (1 of 4 stars). 2 submissions from 2 submitters: Uncertain significance (1); Likely benign (1). Last evaluated 2024-06-19.

Conditions:
Neuropathy, hereditary sensory, type 2C. Also called: Hereditary sensory and autonomic neuropathy type IIC; KIF1A-Related HSAN2 (HSAN2C). Identifiers: Orphanet 970, MedGen C3280168, MONDO:0013634, OMIM 614213.
Intellectual disability, autosomal dominant 9 (NESCAVS). Also called: NESCAV SYNDROME; KIF1A-Related Neurodevelopmental Disorder. Identifiers: Orphanet 662367, MedGen C5393830, MONDO:0013656, OMIM 614255.
Hereditary spastic paraplegia 30. Identifiers: Orphanet 101010, MedGen C5235139, MONDO:0012476.

Allele frequency attached by ClinVar (database versions not stated): gnomAD exomes below 0.00001; ExAC 0.00001; TOPMed 0.00001; ESP Exome Variant Server 0.00008.
gnomAD v4.1: 6 of 1,612,242 alleles (0.00037%); highest among the groups gnomAD compares: African/African-American, 0.0013%; no homozygotes.

Submissions (2):

Labcorp Genetics (formerly Invitae), Labcorp
Classification: Likely benign for Hereditary spastic paraplegia 30; Neuropathy, hereditary sensory, type 2C; Intellectual disability, autosomal dominant 9. Last evaluated: 2024-06-19. Review status: criteria provided, single submitter. Criteria: Invitae Variant Classification Sherloc (09022015). Collection method: clinical testing. Allele origin: germline.

GeneDx
Classification: Uncertain significance. Last evaluated: 2022-10-12. Review status: criteria provided, single submitter. Criteria: GeneDx Variant Classification Process June 2021. Collection method: clinical testing. Allele origin: germline. Affected: yes.
Comment: In silico analysis supports that this missense variant does not alter protein structure/function; Has not been previously reported as a pathogenic or benign germline variant to our knowledge; This variant is associated with the following publications: (PMID: 32686686)